The following is an entry in ClinVar:

NM_001329943.3(KIAA0586):c.3670T>G (p.Ser1224Ala)

Gene: KIAA0586 (KIAA0586; plus strand). Cytogenetic location: 14q23.1.
Variant type: single nucleotide variant.
Coding change: c.3670T>G on transcript NM_001329943.3 (MANE Select); coding-DNA position 3670, T replaced by G.
Protein change: p.Ser1224Ala; replaces serine 1224 with alanine.
Molecular consequence: missense variant.
Genome position (GRCh38, 1-based): chr14:58,488,763, T>G. VCF-style: chr14-58488763-T-G. GRCh37 (hg19) VCF-style: chr14-58955481-T-G.
Other names: c.3829T>G, p.Ser1277Ala (NM_001244189.2); c.3625T>G, p.Ser1209Ala (NM_001244190.2); c.3415T>G, p.Ser1139Ala (NM_001244191.2, NM_001329945.2, NM_001364700.1 and 1 more transcripts); c.3538T>G, p.Ser1180Ala (NM_001244192.2); c.3250T>G, p.Ser1084Ala (NM_001244193.2); c.3670T>G, p.Ser1224Ala (NM_001329944.2, NM_001329946.2, NM_001329947.2); c.3442T>G, p.Ser1148Ala (NM_014749.5); short protein forms S1139A, S1277A, S1148A, S1209A, S1084A, S1180A, S1224A.
Identifiers: ClinVar variation 1522886 (VCV001522886.6), dbSNP rs1292752792, ClinGen allele CA389882732.

ClinVar aggregate classification (germline): Uncertain significance (1 of 4 stars; one submission).

Conditions:
Joubert syndrome 23 (JBTS23). Identifiers: Orphanet 475, MedGen C4084822, MONDO:0014664, OMIM 616490.
Short-rib thoracic dysplasia 14 with polydactyly (SRTD14). Identifiers: Orphanet 397715, MedGen C4225286, MONDO:0014688, OMIM 616546.

Allele frequency attached by ClinVar (database versions not stated): gnomAD exomes below 0.00001.
gnomAD v4.1: 2 of 1,613,908 alleles (0.00012%); highest among the groups gnomAD compares: Non-Finnish European, 0.00017%; no homozygotes.

Submission:

Labcorp Genetics (formerly Invitae), Labcorp
Classification: Uncertain significance for Joubert syndrome 23; Short-rib thoracic dysplasia 14 with polydactyly. Last evaluated: 2021-10-05. Review status: criteria provided, single submitter. Criteria: Invitae Variant Classification Sherloc (09022015). Collection method: clinical testing. Allele origin: germline.
Comment: In summary, the available evidence is currently insufficient to determine the role of this variant in disease. Therefore, it has been classified as a Variant of Uncertain Significance. Algorithms developed to predict the effect of sequence changes on RNA splicing suggest that this variant may create or strengthen a splice site. Algorithms developed to predict the effect of missense changes on protein structure and function are either unavailable or do not agree on the potential impact of this missense change (SIFT: "Deleterious"; PolyPhen-2: "Probably Damaging"; Align-GVGD: "Class C0"). This variant has not been reported in the literature in individuals affected with KIAA0586-related conditions. This variant is not present in population databases (ExAC no frequency). This sequence change replaces serine with alanine at codon 1277 of the KIAA0586 protein (p.Ser1277Ala). The serine residue is highly conserved and there is a moderate physicochemical difference between serine and alanine.